The following is an entry in ClinVar:

NM_198578.4(LRRK2):c.5941G>T (p.Gly1981Cys)

Gene: LRRK2 (leucine rich repeat kinase 2; plus strand). Cytogenetic location: 12q12.
Variant type: single nucleotide variant.
Coding change: c.5941G>T on transcript NM_198578.4 (MANE Select); coding-DNA position 5941, G replaced by T.
Protein change: p.Gly1981Cys; replaces glycine 1981 with cysteine.
Molecular consequence: missense variant.
Genome position (GRCh38, 1-based): chr12:40,335,150, G>T. VCF-style: chr12-40335150-G-T. GRCh37 (hg19) VCF-style: chr12-40728952-G-T.
Other names: short protein forms G1981C.
Identifiers: ClinVar variation 1750627 (VCV001750627.3), dbSNP rs1945829778, ClinGen allele CA384402498.
Genomic context (GRCh38, chr12:40,335,150, plus strand): 5'-CAGGACAAAGCCAGCCTCACTAGAACCCTACAGCACAGGATTGCACTCCACGTAGCTGAT[G>T]GTTTGAGGTAAGTAGGTCATGTTGTTTTCTATTCAGTGCATGACAAGTGTGATCCAGACT-3'
Protein context (NP_940980.4, residues 1971-1991): QHRIALHVAD[Gly1981Cys]LRYLHSAMII

ClinVar aggregate classification (germline): Uncertain significance (1 of 4 stars; one submission).

Conditions:
Inborn genetic diseases. Identifiers: MedGen C0950123, MeSH D030342.

Allele frequency attached by ClinVar (database versions not stated): TOPMed below 0.00001; gnomAD 0.00001; gnomAD exomes 0.00001.
gnomAD v4.1: 4 of 1,613,878 alleles (0.00025%); highest among the groups gnomAD compares: Non-Finnish European, 0.00034%; no homozygotes.

Submission:

Ambry Genetics
Classification: Uncertain significance for Inborn genetic diseases. Last evaluated: 2024-10-14. Review status: criteria provided, single submitter. Criteria: Ambry Variant Classification Scheme 2023. Collection method: clinical testing. Allele origin: germline.
Comment: The p.G1981C variant (also known as c.5941G>T), located in coding exon 40 of the LRRK2 gene, results from a G to T substitution at nucleotide position 5941. The glycine at codon 1981 is replaced by cysteine, an amino acid with highly dissimilar properties. This amino acid position is conserved. In addition, this alteration is predicted to be deleterious by in silico analysis. Since supporting evidence is limited at this time, the clinical significance of this alteration remains unclear.